The following is an entry in ClinVar:

ClinVar aggregate classification (germline): Uncertain significance. Review status: criteria provided, multiple submitters, no conflicts (2 of 4 stars). 3 submissions from 3 submitters: Uncertain significance (3). Last evaluated 2025-08-22.

Conditions:
CACNA1D-related disorder.

Allele frequency attached by ClinVar (database versions not stated): TOPMed below 0.00001; ExAC 0.00002.
gnomAD v4.1: 20 of 1,614,046 alleles (0.0012%); highest among the groups gnomAD compares: South Asian, 0.0033%; no homozygotes.

Submissions (3):

Labcorp Genetics (formerly Invitae), Labcorp
Classification: Uncertain significance. Last evaluated: 2025-08-22. Review status: criteria provided, single submitter. Criteria: Invitae Variant Classification Sherloc (09022015). Collection method: clinical testing. Allele origin: germline.
Comment: This sequence change replaces aspartic acid, which is acidic and polar, with asparagine, which is neutral and polar, at codon 733 of the CACNA1D protein (p.Asp733Asn). This variant is present in population databases (rs760977697, gnomAD 0.006%). This variant has not been reported in the literature in individuals affected with CACNA1D-related conditions. ClinVar contains an entry for this variant (Variation ID: 1964997). Invitae Evidence Modeling of protein sequence and biophysical properties (such as structural, functional, and spatial information, amino acid conservation, physicochemical variation, residue mobility, and thermodynamic stability) indicates that this missense variant is not expected to disrupt CACNA1D protein function with a negative predictive value of 80%. In summary, the available evidence is currently insufficient to determine the role of this variant in disease. Therefore, it has been classified as a Variant of Uncertain Significance.

PreventionGenetics, part of Exact Sciences
Classification: Uncertain significance for CACNA1D-related condition. Last evaluated: 2024-11-20. Review status: criteria provided, single submitter. Criteria: ACMG Guidelines, 2015. Collection method: clinical testing. Allele origin: germline.
Comment: The CACNA1D c.2197G>A variant is predicted to result in the amino acid substitution p.Asp733Asn. To our knowledge, this variant has not been reported in the literature. This variant is reported in 0.0065% of alleles in individuals of South Asian descent in gnomAD. At this time, the clinical significance of this variant is uncertain due to the absence of conclusive functional and genetic evidence.

Blueprint Genetics
Classification: Uncertain significance. Last evaluated: 2023-04-24. Review status: criteria provided, single submitter. Criteria: ACMG Guidelines, 2015. Collection method: clinical testing. Allele origin: germline.

NM_001128840.3(CACNA1D):c.2137G>A (p.Asp713Asn)

Gene: CACNA1D (calcium voltage-gated channel subunit alpha1 D; plus strand). Cytogenetic location: 3p21.1.
Variant type: single nucleotide variant.
Coding change: c.2137G>A on transcript NM_001128840.3 (MANE Select); coding-DNA position 2137, G replaced by A.
Protein change: p.Asp713Asn; replaces aspartic acid 713 with asparagine.
Molecular consequence: missense variant.
Genome position (GRCh38, 1-based): chr3:53,726,915, G>A. VCF-style: chr3-53726915-G-A. GRCh37 (hg19) VCF-style: chr3-53760942-G-A.
Other names: c.2197G>A, p.Asp733Asn (NM_000720.4); c.2137G>A, p.Asp713Asn (NM_001128839.3); c.2197G>A (NM_000720.3); short protein forms D713N, D733N.
Identifiers: ClinVar variation 1964997 (VCV001964997.7), dbSNP rs760977697, ClinGen allele CA2454149.